The following is an entry in ClinVar:

NM_000038.6(APC):c.6511G>A (p.Gly2171Arg)

Gene: APC (APC regulator of Wnt signaling pathway; plus strand). Cytogenetic location: 5q22.2.
Variant type: single nucleotide variant.
Coding change: c.6511G>A on transcript NM_000038.6 (MANE Select); coding-DNA position 6511, G replaced by A.
Protein change: p.Gly2171Arg; replaces glycine 2171 with arginine.
Molecular consequence: missense variant.
Genome position (GRCh38, 1-based): chr5:112,842,105, G>A. VCF-style: chr5-112842105-G-A. GRCh37 (hg19) VCF-style: chr5-112177802-G-A.
Other names: c.6511G>A, p.Gly2171Arg (NM_001127510.3, NM_001354895.2); c.6457G>A, p.Gly2153Arg (NM_001127511.3); c.6565G>A, p.Gly2189Arg (NM_001354896.2); c.6541G>A, p.Gly2181Arg (NM_001354897.2); c.6436G>A, p.Gly2146Arg (NM_001354898.2); c.6427G>A, p.Gly2143Arg (NM_001354899.2); c.6388G>A, p.Gly2130Arg (NM_001354900.2); c.6334G>A, p.Gly2112Arg (NM_001354901.2); and 5 more; short protein forms G2045R, G2080R, G2143R, G2011R, G2130R, G2171R, G2181R, G2189R.
Identifiers: ClinVar variation 925250 (VCV000925250.8), dbSNP rs1766232230, ClinGen allele CA16035574.

ClinVar aggregate classification (germline): Uncertain significance. Review status: criteria provided, multiple submitters, no conflicts (2 of 4 stars). 3 submissions from 3 submitters: Uncertain significance (3). Last evaluated 2026-07-29.

Conditions:
Hereditary cancer-predisposing syndrome. Also called: Neoplastic Syndromes, Hereditary; Hereditary Cancer Syndrome; Tumor predisposition; Hereditary neoplastic syndrome. Identifiers: Orphanet 140162, MedGen C0027672, MeSH D009386, MONDO:0015356.
Familial adenomatous polyposis 1 (FAP1). Also called: FAMILIAL ADENOMATOUS POLYPOSIS 1, ATTENUATED; POLYPOSIS, ADENOMATOUS INTESTINAL. Identifiers: MedGen C2713442, MONDO:0021056, OMIM 175100. Disease mechanism: loss of function.

Submissions (3):

Ambry Genetics
Classification: Uncertain significance for Hereditary cancer-predisposing syndrome. Last evaluated: 2026-07-29. Review status: criteria provided, single submitter. Criteria: Ambry Variant Classification Scheme 2023. Collection method: clinical testing. Allele origin: germline.
Comment: The p.G2171R variant (also known as c.6511G>A), located in coding exon 15 of the APC gene, results from a G to A substitution at nucleotide position 6511. The glycine at codon 2171 is replaced by arginine, an amino acid with dissimilar properties. This amino acid position is conserved. In addition, in silico predictors for this gene do not accurately predict pathogenicity. Based on the available evidence, the clinical significance of this variant remains unclear.

Labcorp Genetics (formerly Invitae), Labcorp
Classification: Uncertain significance for Familial adenomatous polyposis 1. Last evaluated: 2025-12-29. Review status: criteria provided, single submitter. Criteria: Invitae Variant Classification Sherloc (09022015). Collection method: clinical testing. Allele origin: germline.
Comment: This sequence change replaces glycine, which is neutral and non-polar, with arginine, which is basic and polar, at codon 2171 of the APC protein (p.Gly2171Arg). This variant is not present in population databases (gnomAD no frequency). This variant has not been reported in the literature in individuals affected with APC-related conditions. ClinVar contains an entry for this variant (Variation ID: 925250). Invitae Evidence Modeling of protein sequence and biophysical properties (such as structural, functional, and spatial information, amino acid conservation, physicochemical variation, residue mobility, and thermodynamic stability) indicates that this missense variant is not expected to disrupt APC protein function with a negative predictive value of 95%. In summary, the available evidence is currently insufficient to determine the role of this variant in disease. Therefore, it has been classified as a Variant of Uncertain Significance.

Color Diagnostics, LLC DBA Color Health
Classification: Uncertain significance for Hereditary cancer-predisposing syndrome. Last evaluated: 2025-09-17. Review status: criteria provided, single submitter. Criteria: ACMG Guidelines, 2015. Collection method: clinical testing. Allele origin: germline.
Comment: This missense variant replaces glycine with arginine at codon 2171 of the APC protein. Computational prediction suggests that this variant may not impact protein structure and function. To our knowledge, functional studies have not been reported for this variant. This variant has not been reported in individuals affected with APC-related disorders in the literature. This variant has not been identified in the general population by the Genome Aggregation Database (gnomAD). The available evidence is insufficient to determine the role of this variant in disease conclusively. Therefore, this variant is classified as a Variant of Uncertain Significance.